The following is an entry in ClinVar:

ClinVar aggregate classification (germline): Uncertain significance. Review status: criteria provided, multiple submitters, no conflicts (2 of 4 stars). 3 submissions from 3 submitters: Uncertain significance (3). Last evaluated 2022-02-10.

Conditions:
Spastic paraplegia. Identifiers: MedGen C0037772, HP:0001258.
Inborn genetic diseases. Identifiers: MedGen C0950123, MeSH D030342.

Allele frequency attached by ClinVar (database versions not stated): gnomAD 0.00001; gnomAD exomes 0.00004 and 0.00007; TOPMed 0.00005; ExAC 0.00007.
gnomAD v4.1: 55 of 1,614,006 alleles (0.0034%); highest among the groups gnomAD compares: East Asian, 0.1%; no homozygotes.

Submissions (3):

Ambry Genetics
Classification: Uncertain significance for Inborn genetic diseases. Last evaluated: 2022-02-10. Review status: criteria provided, single submitter. Criteria: Ambry Variant Classification Scheme 2023. Collection method: clinical testing. Allele origin: germline.

Labcorp Genetics (formerly Invitae), Labcorp
Classification: Uncertain significance for Spastic paraplegia. Last evaluated: 2021-08-24. Review status: criteria provided, single submitter. Criteria: Invitae Variant Classification Sherloc (09022015). Collection method: clinical testing. Allele origin: germline.
Comment: This sequence change replaces arginine with histidine at codon 770 of the ZFYVE26 protein (p.Arg770His). The arginine residue is moderately conserved and there is a small physicochemical difference between arginine and histidine. This variant is present in population databases (rs775959874, ExAC 0.09%). This variant has not been reported in the literature in individuals affected with ZFYVE26-related conditions. Algorithms developed to predict the effect of missense changes on protein structure and function output the following: SIFT: "Tolerated"; PolyPhen-2: "Benign"; Align-GVGD: "Class C0". The histidine amino acid residue is found in multiple mammalian species, which suggests that this missense change does not adversely affect protein function. In summary, the available evidence is currently insufficient to determine the role of this variant in disease. Therefore, it has been classified as a Variant of Uncertain Significance.

Mayo Clinic Laboratories, Mayo Clinic
Classification: Uncertain significance. Last evaluated: 2019-10-06. Review status: criteria provided, single submitter. Criteria: ACMG Guidelines, 2015. Collection method: clinical testing. Allele origin: germline.

NM_015346.4(ZFYVE26):c.2309G>A (p.Arg770His)

Gene: ZFYVE26 (zinc finger FYVE-type containing 26; minus strand). Cytogenetic location: 14q24.1.
Variant type: single nucleotide variant.
Coding change: c.2309G>A on transcript NM_015346.4 (MANE Select); coding-DNA position 2309, G replaced by A.
Protein change: p.Arg770His; replaces arginine 770 with histidine.
Molecular consequence: missense variant.
Genome position (GRCh38, 1-based): chr14:67,797,695, C>T on the plus strand (G>A on the coding strand, the complement: ZFYVE26 is on the minus strand). VCF-style: chr14-67797695-C-T. GRCh37 (hg19) VCF-style: chr14-68264412-C-T.
Other names: short protein forms R770H.
Identifiers: ClinVar variation 1163956 (VCV001163956.8), dbSNP rs775959874, ClinGen allele CA7240341.
Genomic context (GRCh38, chr14:67,797,695, plus strand): 5'-ACTTGCCTAGTGCATGGGAATGAGCTCTTCAGATTACCTGCCTGGCTCCTTCTTGTCCGA[C>T]GACCCCGGCGGAGACTGGGGTGACGTGTGGCAGGCTGGTATCTTCGGGAAGGTTGCTCCT-3'
Protein context (NP_056161.2, residues 760-780): ATRHPSLRRG[Arg770His]RTRRSQADGR